The following is an entry in ClinVar:

NM_058216.3(RAD51C):c.1093A>C (p.Thr365Pro)

Gene: RAD51C (RAD51 paralog C; plus strand). Cytogenetic location: 17q22.
Variant type: single nucleotide variant.
Coding change: c.1093A>C on transcript NM_058216.3 (MANE Select); coding-DNA position 1093, A replaced by C.
Protein change: p.Thr365Pro; replaces threonine 365 with proline.
Molecular consequence: missense variant. On other transcripts: non-coding transcript variant (1).
Genome position (GRCh38, 1-based): chr17:58,734,184, A>C. VCF-style: chr17-58734184-A-C. GRCh37 (hg19) VCF-style: chr17-56811545-A-C.
Other names: short protein forms T365P.
Identifiers: ClinVar variation 480516 (VCV000480516.8), dbSNP rs1350543873, ClinGen allele CA400366427.

ClinVar aggregate classification (germline): Conflicting classifications of pathogenicity. Review status: criteria provided, conflicting classifications (1 of 4 stars). 2 submissions from 2 submitters: Uncertain significance (1); Likely benign (1). Last evaluated 2025-10-26.

Conditions:
Fanconi anemia complementation group O. Also called: RAD51C-Related Fanconi Anemia. Identifiers: Orphanet 84, MedGen C3150653, MONDO:0013248, OMIM 613390.
Hereditary cancer-predisposing syndrome. Also called: Hereditary neoplastic syndrome; Neoplastic Syndromes, Hereditary; Tumor predisposition; Hereditary Cancer Syndrome. Identifiers: Orphanet 140162, MedGen C0027672, MeSH D009386, MONDO:0015356.

Allele frequency attached by ClinVar (database versions not stated): gnomAD exomes below 0.00001.
gnomAD v4.1: 1 of 1,613,442 alleles (0.000062%); highest among the groups gnomAD compares: Admixed American, 0.0017%; no homozygotes.

Submissions (2):

Labcorp Genetics (formerly Invitae), Labcorp
Classification: Uncertain significance for Fanconi anemia complementation group O. Last evaluated: 2025-10-26. Review status: criteria provided, single submitter. Criteria: Invitae Variant Classification Sherloc (09022015). Collection method: clinical testing. Allele origin: germline.
Comment: This sequence change replaces threonine, which is neutral and polar, with proline, which is neutral and non-polar, at codon 365 of the RAD51C protein (p.Thr365Pro). This variant is present in population databases (no rsID available, gnomAD 0.003%). This variant has not been reported in the literature in individuals affected with RAD51C-related conditions. ClinVar contains an entry for this variant (Variation ID: 480516). An algorithm developed to predict the effect of missense changes on protein structure and function (PolyPhen-2) suggests that this variant is likely to be tolerated. In summary, the available evidence is currently insufficient to determine the role of this variant in disease. Therefore, it has been classified as a Variant of Uncertain Significance.

Ambry Genetics
Classification: Likely benign for Hereditary cancer-predisposing syndrome. Last evaluated: 2024-02-23. Review status: criteria provided, single submitter. Criteria: Ambry Variant Classification Scheme 2023. Collection method: clinical testing. Allele origin: germline.